The following is an entry in ClinVar:

ClinVar aggregate classification (germline): Uncertain significance (1 of 4 stars; one submission).

Conditions:
Ehlers-Danlos syndrome, classic type, 1 (EDSCL1). Also called: EHLERS-DANLOS SYNDROME, GRAVIS TYPE; EHLERS-DANLOS SYNDROME, SEVERE CLASSIC TYPE; EDS I; Ehlers-Danlos Syndrome, Classic Type, COL5A1-Related; Ehlers-Danlos syndrome, type 1. Identifiers: MedGen C0268335, MONDO:0019567, OMIM 130000.

Submission:

Labcorp Genetics (formerly Invitae), Labcorp
Classification: Uncertain significance for Ehlers-Danlos syndrome, classic type, 1. Last evaluated: 2022-08-18. Review status: criteria provided, single submitter. Criteria: Invitae Variant Classification Sherloc (09022015). Collection method: clinical testing. Allele origin: germline.
Comment: Variants that disrupt the consensus splice site are a relatively common cause of aberrant splicing (PMID: 17576681, 9536098). Algorithms developed to predict the effect of sequence changes on RNA splicing suggest that this variant is not likely to affect RNA splicing. In summary, the available evidence is currently insufficient to determine the role of this variant in disease. Therefore, it has been classified as a Variant of Uncertain Significance. ClinVar contains an entry for this variant (Variation ID: 971143). This sequence change falls in intron 23 of the COL5A1 gene. It does not directly change the encoded amino acid sequence of the COL5A1 protein. It affects a nucleotide within the consensus splice site. This variant is not present in population databases (gnomAD no frequency). This variant has not been reported in the literature in individuals affected with COL5A1-related conditions.

Literature cited by the submitters: PubMed 17576681; PubMed 9536098.

NM_000093.5(COL5A1):c.2187+6T>C

Gene: COL5A1 (collagen type V alpha 1 chain; plus strand). Cytogenetic location: 9q34.3.
Variant type: single nucleotide variant.
Coding change: c.2187+6T>C on transcript NM_000093.5 (MANE Select); 6 bases into the intron after coding-DNA position 2187, T replaced by C.
Molecular consequence: intron variant.
Genome position (GRCh38, 1-based): chr9:134,767,059, T>C. VCF-style: chr9-134767059-T-C. GRCh37 (hg19) VCF-style: chr9-137658905-T-C.
Other names: c.2187+6T>C (NM_001278074.1).
Identifiers: ClinVar variation 971143 (VCV000971143.11), dbSNP rs1836698236, ClinGen allele CA1139661316.